The following is an entry in ClinVar:

ClinVar aggregate classification (germline): Likely benign. Review status: criteria provided, multiple submitters, no conflicts (2 of 4 stars). 6 submissions from 6 submitters: Likely benign (6). Last evaluated 2026-01-18.

Conditions:
Primary ciliary dyskinesia 23 (CILD23). Also called: CILIARY DYSKINESIA, PRIMARY, 23, WITH OR WITHOUT SITUS INVERSUS. Identifiers: Orphanet 244, MedGen C3809548, MONDO:0014193, OMIM 615451.
Primary ciliary dyskinesia. Also called: Ciliary dyskinesia. Identifiers: Orphanet 244, MedGen C0008780, MONDO:0016575, HP:0012265.

Allele frequency attached by ClinVar (database versions not stated): ExAC 0.00135; gnomAD exomes 0.00267 and 0.00167; ESP Exome Variant Server 0.00155; gnomAD 0.00180 and 0.00184; TOPMed 0.00212.
gnomAD v4.1: 3,897 of 1,510,956 alleles (0.26%); highest among the groups gnomAD compares: Non-Finnish European, 0.32%; 7 homozygotes.

Submissions (6):

Labcorp Genetics (formerly Invitae), Labcorp
Classification: Likely benign for Primary ciliary dyskinesia 23. Last evaluated: 2026-01-18. Review status: criteria provided, single submitter. Criteria: Invitae Variant Classification Sherloc (09022015). Collection method: clinical testing. Allele origin: germline.

CeGaT Center for Human Genetics Tuebingen
Classification: Likely benign. Last evaluated: 2025-09-01. Review status: criteria provided, single submitter. Criteria: CeGaT Center For Human Genetics Tuebingen Variant Classification Criteria Version 2. Collection method: clinical testing. Allele origin: germline. Affected: yes. Observed: 2 variant alleles.
Comment: ODAD2: BS2

Mayo Clinic Laboratories, Mayo Clinic
Classification: Likely benign. Last evaluated: 2024-12-31. Review status: criteria provided, single submitter. Criteria: ACMG Guidelines, 2015. Collection method: clinical testing. Allele origin: germline. Observed: 1 variant allele.
Comment: BS1, BS2_supporting

Blueprint Genetics
Classification: Likely benign. Last evaluated: 2024-10-31. Review status: criteria provided, single submitter. Criteria: ACMG Guidelines, 2015. Collection method: clinical testing. Allele origin: germline.

GeneDx
Classification: Likely benign. Last evaluated: 2021-02-22. Review status: criteria provided, single submitter. Criteria: GeneDx Variant Classification Process June 2021. Collection method: clinical testing. Allele origin: germline. Affected: yes.

Ambry Genetics
Classification: Likely benign for Primary ciliary dyskinesia. Last evaluated: 2016-07-21. Review status: criteria provided, single submitter. Criteria: Ambry Variant Classification Scheme 2023. Collection method: clinical testing. Allele origin: germline.

NM_018076.5(ODAD2):c.390A>G (p.Arg130=)

Gene: ODAD2 (outer dynein arm docking complex subunit 2; minus strand). Cytogenetic location: 10p12.1.
Variant type: single nucleotide variant.
Coding change: c.390A>G on transcript NM_018076.5 (MANE Select); coding-DNA position 390, A replaced by G.
Protein change: p.Arg130=; no amino-acid change (arginine 130 retained).
Molecular consequence: synonymous variant.
Genome position (GRCh38, 1-based): chr10:27,985,204, T>C on the plus strand (A>G on the coding strand, the complement: ODAD2 is on the minus strand). VCF-style: chr10-27985204-T-C. GRCh37 (hg19) VCF-style: chr10-28274133-T-C.
Other names: p.Arg130=; c.390A>G, p.Arg130= (NM_001290020.2).
Identifiers: ClinVar variation 417181 (VCV000417181.28), dbSNP rs12777433, ClinGen allele CA5453820.